The following is an entry in ClinVar:

NM_000492.4(CFTR):c.2490+5G>A

Gene: CFTR (CF transmembrane conductance regulator; plus strand). Cytogenetic location: 7q31.2.
Variant type: single nucleotide variant.
Coding change: c.2490+5G>A on transcript NM_000492.4 (MANE Select); 5 bases into the intron after coding-DNA position 2490, G replaced by A.
Molecular consequence: intron variant.
Genome position (GRCh38, 1-based): chr7:117,592,662, G>A. VCF-style: chr7-117592662-G-A. GRCh37 (hg19) VCF-style: chr7-117232716-G-A.
Identifiers: ClinVar variation 3375146 (VCV003375146.1).

ClinVar aggregate classification (germline): Uncertain significance (1 of 4 stars; one submission).

gnomAD v4.1: 10 of 1,526,290 alleles (0.00066%); highest among the groups gnomAD compares: South Asian, 0.014%; no homozygotes.

Submission:

Women's Health and Genetics/Laboratory Corporation of America, LabCorp
Classification: Uncertain significance. Last evaluated: 2024-09-30. Review status: criteria provided, single submitter. Criteria: LabCorp Variant Classification Summary - May 2015. Collection method: clinical testing. Allele origin: germline.
Comment: Variant summary: CFTR c.2490+5G>A alters a conserved nucleotide located close to a canonical splice site and therefore could affect mRNA splicing, leading to a significantly altered protein sequence. Several computational tools predict a significant impact on normal splicing: Three predict the variant weakens a 5' donor site. One predict the variant abolishes a 5' splicing donor site. However, these predictions have yet to be confirmed by functional studies. The variant allele was found at a frequency of 5.4e-06 in 185558 control chromosomes. The available data on variant occurrences in the general population are insufficient to allow any conclusion about variant significance. To our knowledge, no occurrence of c.2490+5G>A in individuals affected with Cystic Fibrosis and no experimental evidence demonstrating its impact on protein function have been reported. No submitters have cited clinical-significance assessments for this variant to ClinVar. Based on the evidence outlined above, the variant was classified as uncertain significance.